The following is an entry in ClinVar:

ClinVar aggregate classification (germline): Conflicting classifications of pathogenicity. Review status: criteria provided, conflicting classifications (1 of 4 stars). 2 submissions from 2 submitters: Uncertain significance (1); Likely benign (1). Last evaluated 2025-08-18.

Conditions:
Inborn genetic diseases. Identifiers: MedGen C0950123, MeSH D030342.
Pyridoxine-dependent epilepsy (EPEO4). Also called: Pyridoxine-Dependent Epilepsy - ALDH7A1; EPILEPSY, EARLY-ONSET, 4, VITAMIN B6-DEPENDENT; PYRIDOXINE DEPENDENCY WITH SEIZURES; Pyridoxine-Dependent Seizures. Identifiers: Orphanet 3006, MedGen C1849508, MONDO:0009945, OMIM 266100. Disease mechanism: loss of function.

Allele frequency attached by ClinVar (database versions not stated): ExAC 0.00001; gnomAD exomes 0.00001.
gnomAD v4.1: 3 of 1,611,386 alleles (0.00019%); highest among the groups gnomAD compares: Admixed American, 0.005%; no homozygotes.

Submissions (2):

Labcorp Genetics (formerly Invitae), Labcorp
Classification: Likely benign for Pyridoxine-dependent epilepsy. Last evaluated: 2025-08-18. Review status: criteria provided, single submitter. Criteria: Invitae Variant Classification Sherloc (09022015). Collection method: clinical testing. Allele origin: germline.

Ambry Genetics
Classification: Uncertain significance for Inborn genetic diseases. Last evaluated: 2023-04-18. Review status: criteria provided, single submitter. Criteria: Ambry Variant Classification Scheme 2023. Collection method: clinical testing. Allele origin: germline.
Comment: The c.651-5T>C intronic variant results from a T to C substitution 5 nucleotides upstream from coding exon 7 in the ALDH7A1 gene. This nucleotide position is well conserved in available vertebrate species. In silico splice site analysis for this alteration is inconclusive. Since supporting evidence is limited at this time, the clinical significance of this alteration remains unclear.

NM_001182.5(ALDH7A1):c.651-5T>C

Gene: ALDH7A1 (aldehyde dehydrogenase 7 family member A1; minus strand). Cytogenetic location: 5q23.2.
Variant type: single nucleotide variant.
Coding change: c.651-5T>C on transcript NM_001182.5 (MANE Select); 5 bases into the intron before coding-DNA position 651, T replaced by C.
Molecular consequence: intron variant.
Genome position (GRCh38, 1-based): chr5:126,575,469, A>G on the plus strand (T>C on the coding strand, the complement: ALDH7A1 is on the minus strand). VCF-style: chr5-126575469-A-G. GRCh37 (hg19) VCF-style: chr5-125911161-A-G.
Other names: c.651-5T>C (NM_001202404.2); c.567-5T>C (NM_001201377.2).
Identifiers: ClinVar variation 588897 (VCV000588897.9), dbSNP rs770931075, ClinGen allele CA3389700.